The following is an entry in ClinVar:

ClinVar aggregate classification (germline): Uncertain significance. Review status: criteria provided, multiple submitters, no conflicts (2 of 4 stars). 2 submissions from 2 submitters: Uncertain significance (2). Last evaluated 2025-02-05.

Allele frequency attached by ClinVar (database versions not stated): TOPMed 0.00002; ExAC 0.00002.
gnomAD v4.1: 16 of 1,613,566 alleles (0.00099%); highest among the groups gnomAD compares: Non-Finnish European, 0.0014%; no homozygotes.

Submissions (2):

GeneDx
Classification: Uncertain significance. Last evaluated: 2025-02-05. Review status: criteria provided, single submitter. Criteria: GeneDx Variant Classification Process June 2021. Collection method: clinical testing. Allele origin: germline. Affected: yes.
Comment: Not observed at significant frequency in large population cohorts (gnomAD); In silico analysis indicates that this missense variant does not alter protein structure/function; Has not been previously published as pathogenic or benign to our knowledge

Labcorp Genetics (formerly Invitae), Labcorp
Classification: Uncertain significance. Last evaluated: 2022-10-13. Review status: criteria provided, single submitter. Criteria: Invitae Variant Classification Sherloc (09022015). Collection method: clinical testing. Allele origin: germline.
Comment: This sequence change replaces aspartic acid, which is acidic and polar, with glutamic acid, which is acidic and polar, at codon 2337 of the CDH23 protein (p.Asp2337Glu). This variant is present in population databases (rs749516076, gnomAD 0.003%). This variant has not been reported in the literature in individuals affected with CDH23-related conditions. ClinVar contains an entry for this variant (Variation ID: 1507343). Advanced modeling of protein sequence and biophysical properties (such as structural, functional, and spatial information, amino acid conservation, physicochemical variation, residue mobility, and thermodynamic stability) performed at Invitae indicates that this missense variant is not expected to disrupt CDH23 protein function. In summary, the available evidence is currently insufficient to determine the role of this variant in disease. Therefore, it has been classified as a Variant of Uncertain Significance.

NM_022124.6(CDH23):c.7011C>G (p.Asp2337Glu)

Gene: CDH23 (cadherin related 23; plus strand). Cytogenetic location: 10q22.1.
Variant type: single nucleotide variant.
Coding change: c.7011C>G on transcript NM_022124.6 (MANE Select); coding-DNA position 7011, C replaced by G.
Protein change: p.Asp2337Glu; replaces aspartic acid 2337 with glutamic acid.
Molecular consequence: missense variant.
Genome position (GRCh38, 1-based): chr10:71,798,535, C>G. VCF-style: chr10-71798535-C-G. GRCh37 (hg19) VCF-style: chr10-73558292-C-G.
Other names: c.291C>G, p.Asp97Glu (NM_001171933.1, NM_001171934.1); c.7011C>G (NM_022124.5); short protein forms D2337E, D97E.
Identifiers: ClinVar variation 1507343 (VCV001507343.5), dbSNP rs749516076, ClinGen allele CA5546229.
Genomic context (GRCh38, chr10:71,798,535, plus strand): 5'-TGTGGCAGCCGTGGACCCTGACAAGGGCCTTAATGGGCTGGTCACCTACACCCTGCTGGA[C>G]CTGGTGCCCCCAGGGTATGTCCAGCTGGAGGACTCCTCGGCAGGTAGGTTAGAAATCTGT-3'
Protein context (NP_071407.4, residues 2327-2347): LNGLVTYTLL[Asp2337Glu]LVPPGYVQLE